The following is an entry in ClinVar:

ClinVar aggregate classification (germline): Uncertain significance (1 of 4 stars; one submission).

Submission:

Labcorp Genetics (formerly Invitae), Labcorp
Classification: Uncertain significance. Last evaluated: 2022-07-02. Review status: criteria provided, single submitter. Criteria: Invitae Variant Classification Sherloc (09022015). Collection method: clinical testing. Allele origin: germline.
Comment: This variant has not been reported in the literature in individuals affected with NAA15-related conditions. In summary, the available evidence is currently insufficient to determine the role of this variant in disease. Therefore, it has been classified as a Variant of Uncertain Significance. Algorithms developed to predict the effect of missense changes on protein structure and function (SIFT, PolyPhen-2, Align-GVGD) all suggest that this variant is likely to be tolerated. This variant is not present in population databases (gnomAD no frequency). This sequence change replaces isoleucine, which is neutral and non-polar, with threonine, which is neutral and polar, at codon 560 of the NAA15 protein (p.Ile560Thr).

NM_057175.5(NAA15):c.1679T>C (p.Ile560Thr)

Gene: NAA15 (N-alpha-acetyltransferase 15, NatA auxiliary subunit; plus strand). Cytogenetic location: 4q31.1.
Variant type: single nucleotide variant.
Coding change: c.1679T>C on transcript NM_057175.5 (MANE Select); coding-DNA position 1679, T replaced by C.
Protein change: p.Ile560Thr; replaces isoleucine 560 with threonine.
Molecular consequence: missense variant.
Genome position (GRCh38, 1-based): chr4:139,361,863, T>C. VCF-style: chr4-139361863-T-C. GRCh37 (hg19) VCF-style: chr4-140283017-T-C.
Other names: c.1679T>C, p.Ile560Thr (NM_001410842.1); c.*88T>C (NM_025085.2); short protein forms I560T.
Identifiers: ClinVar variation 1916137 (VCV001916137.5), dbSNP rs2530421902, ClinGen allele CA358268479.